The following is an entry in ClinVar:

NM_000027.4(AGA):c.854C>G (p.Ala285Gly)

Gene: AGA (aspartylglucosaminidase; minus strand). Cytogenetic location: 4q34.3.
Variant type: single nucleotide variant.
Coding change: c.854C>G on transcript NM_000027.4 (MANE Select); coding-DNA position 854, C replaced by G.
Protein change: p.Ala285Gly; replaces alanine 285 with glycine.
Molecular consequence: missense variant. On other transcripts: non-coding transcript variant (1).
Genome position (GRCh38, 1-based): chr4:177,433,300, G>C on the plus strand (C>G on the coding strand, the complement: AGA is on the minus strand). VCF-style: chr4-177433300-G-C. GRCh37 (hg19) VCF-style: chr4-178354454-G-C.
Other names: c.824C>G, p.Ala275Gly (NM_001171988.2); c.854C>G (NM_000027.3); short protein forms A275G, A285G.
Identifiers: ClinVar variation 2862240 (VCV002862240.2), dbSNP rs763018918, ClinGen allele CA3146770.
Genomic context (GRCh38, chr4:177,433,300, plus strand): 5'-ATAACAGCCCCAAAGAATTCTGGAAAATGCTTCTGGATTCTTGAAATCACTTTTTGGCAA[G>C]CTATGGTTGGATCTTCTCCTCTTCTCATGTATTCTACAGCTTGGTAGCTGATTGAAACAG-3'
Protein context (NP_000018.2, residues 275-295): YMRRGEDPTI[Ala285Gly]CQKVISRIQK

ClinVar aggregate classification (germline): Uncertain significance. Review status: criteria provided, multiple submitters, no conflicts (2 of 4 stars). 2 submissions from 2 submitters: Uncertain significance (2). Last evaluated 2025-06-03.

Conditions:
Inborn genetic diseases. Identifiers: MedGen C0950123, MeSH D030342.
Aspartylglucosaminuria (AGU). Also called: AGA DEFICIENCY; GLYCOASPARAGINASE; GLYCOSYLASPARAGINASE DEFICIENCY; Aspartylglucos-aminuria; Aspartylglucos-amidase (AGA) deficiency. Identifiers: Orphanet 93, MedGen C0268225, MONDO:0008830, OMIM 208400, HP:0012068.

gnomAD v4.1: 1 of 1,614,044 alleles (0.000062%); highest among the groups gnomAD compares: Non-Finnish European, 0.000085%; no homozygotes.

Submissions (2):

Ambry Genetics
Classification: Uncertain significance for Inborn genetic diseases. Last evaluated: 2025-06-03. Review status: criteria provided, single submitter. Criteria: Ambry Variant Classification Scheme 2023. Collection method: clinical testing. Allele origin: germline.

Labcorp Genetics (formerly Invitae), Labcorp
Classification: Uncertain significance for Aspartylglucosaminuria. Last evaluated: 2024-01-27. Review status: criteria provided, single submitter. Criteria: Invitae Variant Classification Sherloc (09022015). Collection method: clinical testing. Allele origin: germline.
Comment: This sequence change replaces alanine, which is neutral and non-polar, with glycine, which is neutral and non-polar, at codon 285 of the AGA protein (p.Ala285Gly). This variant is present in population databases (rs763018918, gnomAD 0.0009%). This variant has not been reported in the literature in individuals affected with AGA-related conditions. Advanced modeling of protein sequence and biophysical properties (such as structural, functional, and spatial information, amino acid conservation, physicochemical variation, residue mobility, and thermodynamic stability) performed at Invitae indicates that this missense variant is expected to disrupt AGA protein function with a positive predictive value of 80%. In summary, the available evidence is currently insufficient to determine the role of this variant in disease. Therefore, it has been classified as a Variant of Uncertain Significance.